The following is an entry in ClinVar:

ClinVar aggregate classification (germline): Uncertain significance (1 of 4 stars; one submission).

Submission:

Ambry Genetics
Classification: Uncertain significance. Last evaluated: 2021-07-20. Review status: criteria provided, single submitter. Criteria: Ambry Variant Classification Scheme 2023. Collection method: clinical testing. Allele origin: germline.
Comment: The p.L109F variant (also known as c.325C>T), located in coding exon 5 of the RAD54L gene, results from a C to T substitution at nucleotide position 325. The leucine at codon 109 is replaced by phenylalanine, an amino acid with highly similar properties. This amino acid position is conserved. In addition, the in silico prediction for this alteration is inconclusive. Since supporting evidence is limited at this time, the clinical significance of this alteration remains unclear.

NM_003579.4(RAD54L):c.325C>T (p.Leu109Phe)

Gene: RAD54L (RAD54 like; plus strand). Cytogenetic location: 1p34.1.
Variant type: single nucleotide variant.
Coding change: c.325C>T on transcript NM_003579.4 (MANE Select); coding-DNA position 325, C replaced by T.
Protein change: p.Leu109Phe; replaces leucine 109 with phenylalanine.
Molecular consequence: missense variant. On other transcripts: 5 prime UTR variant (1).
Genome position (GRCh38, 1-based): chr1:46,260,017, C>T. VCF-style: chr1-46260017-C-T. GRCh37 (hg19) VCF-style: chr1-46725689-C-T.
Other names: c.325C>T, p.Leu109Phe (NM_001142548.2); c.-216C>T (NM_001370766.1); short protein forms L109F.
Identifiers: ClinVar variation 1729511 (VCV001729511.2), dbSNP rs1392450325, ClinGen allele CA340182067.